The following is an entry in ClinVar:

NM_001709.5(BDNF):c.233G>A (p.Arg78Gln)

Genes: BDNF (brain derived neurotrophic factor; minus strand), BDNF-AS (BDNF antisense RNA; plus strand). Cytogenetic location: 11p14.1.
Variant type: single nucleotide variant.
Coding change: c.233G>A on transcript NM_001709.5 (MANE Select); coding-DNA position 233, G replaced by A.
Protein change: p.Arg78Gln; replaces arginine 78 with glutamine.
Molecular consequence: missense variant. On other transcripts: non-coding transcript variant (5).
Genome position (GRCh38, 1-based): chr11:27,658,332, C>T on the plus strand (G>A on the coding strand, the complement: BDNF is on the minus strand). VCF-style: chr11-27658332-C-T. GRCh37 (hg19) VCF-style: chr11-27679879-C-T.
Other names: c.233G>A, p.Arg78Gln (NM_001143805.1, NM_001143806.1, NM_001143807.2 and 9 more transcripts); c.320G>A, p.Arg107Gln (NM_001143809.2); c.479G>A, p.Arg160Gln (NM_001143810.2); c.257G>A, p.Arg86Gln (NM_170731.5); c.278G>A, p.Arg93Gln (NM_170734.4); c.479G>A (NM_001143810.1); short protein forms R93Q, R107Q, R160Q, R86Q, R78Q.
Identifiers: ClinVar variation 2263987 (VCV002263987.3), dbSNP rs199638553, ClinGen allele CA5929120.

ClinVar aggregate classification (germline): Uncertain significance. Review status: criteria provided, single submitter (1 of 4 stars). 2 submissions from 2 submitters: Uncertain significance (1). 1 of the submissions does not count toward it. Last evaluated 2021-12-03.

Conditions:
Inborn genetic diseases. Identifiers: MedGen C0950123, MeSH D030342.
BDNF-related disorder. Also called: BDNF-related condition.

Allele frequency attached by ClinVar (database versions not stated): ExAC 0.00001; gnomAD 0.00001; TOPMed 0.00001.
gnomAD v4.1: 11 of 1,613,998 alleles (0.00068%); highest among the groups gnomAD compares: African/African-American, 0.0013%; no homozygotes.

Submissions (2):

Ambry Genetics
Classification: Uncertain significance for Inborn genetic diseases. Last evaluated: 2021-12-03. Review status: criteria provided, single submitter. Criteria: Ambry Variant Classification Scheme 2023. Collection method: clinical testing. Allele origin: germline.

PreventionGenetics, part of Exact Sciences
Classification: Uncertain significance for BDNF-related condition. Last evaluated: 2024-03-21. Review status: no assertion criteria provided. Collection method: clinical testing. Allele origin: germline. Not counted in ClinVar's aggregate classification.
Comment: The BDNF c.479G>A variant is predicted to result in the amino acid substitution p.Arg160Gln. To our knowledge, this variant has not been reported in the literature. This variant is reported in 0.0062% of alleles in individuals of African descent in gnomAD. At this time, the clinical significance of this variant is uncertain due to the absence of conclusive functional and genetic evidence.